The following is an entry in ClinVar:

ClinVar aggregate classification (germline): Conflicting classifications of pathogenicity. Review status: criteria provided, conflicting classifications (1 of 4 stars). 2 submissions from 2 submitters: Uncertain significance (1); Benign (1). Last evaluated 2025-09-16.

Conditions:
CHARGE syndrome (CHARGE). Also called: Coloboma, heart anomaly, choanal atresia, retardation, genital and ear anomalies; CHARGE association; Hall-Hittner syndrome; Hittner Hirsch Kreh syndrome; CHARGE ASSOCIATION--COLOBOMA, HEART ANOMALY, CHOANAL ATRESIA, RETARDATION, GENITAL AND EAR ANOMALIES. Identifiers: Orphanet 138, MedGen C0265354, MONDO:0008965.

Allele frequency attached by ClinVar (database versions not stated): TOPMed below 0.00001; ExAC 0.00001; gnomAD exomes 0.00001.
gnomAD v4.1: 12 of 1,613,898 alleles (0.00074%); highest among the groups gnomAD compares: South Asian, 0.0077%; 1 homozygote.

Submissions (2):

Labcorp Genetics (formerly Invitae), Labcorp
Classification: Benign for CHARGE syndrome. Last evaluated: 2025-09-16. Review status: criteria provided, single submitter. Criteria: Invitae Variant Classification Sherloc (09022015). Collection method: clinical testing. Allele origin: germline.

GeneDx
Classification: Uncertain significance. Last evaluated: 2022-03-14. Review status: criteria provided, single submitter. Criteria: GeneDx Variant Classification Process June 2021. Collection method: clinical testing. Allele origin: germline. Affected: yes.
Comment: Identified as paternally inherited in a patient with suspected hypogonadotropic hypogonadism in published literature, however, clinical information for the patient's father was not provided (Zhang et al., 2019); Not observed at significant frequency in large population cohorts (gnomAD); In silico analysis supports that this missense variant does not alter protein structure/function; This variant is associated with the following publications: (PMID: 32851286)

NM_017780.4(CHD7):c.425G>C (p.Ser142Thr)

Gene: CHD7 (chromodomain helicase DNA binding protein 7; plus strand). Cytogenetic location: 8q12.2.
Variant type: single nucleotide variant.
Coding change: c.425G>C on transcript NM_017780.4 (MANE Select); coding-DNA position 425, G replaced by C.
Protein change: p.Ser142Thr; replaces serine 142 with threonine.
Molecular consequence: missense variant.
Genome position (GRCh38, 1-based): chr8:60,741,857, G>C. VCF-style: chr8-60741857-G-C. GRCh37 (hg19) VCF-style: chr8-61654416-G-C.
Other names: c.425G>C, p.Ser142Thr (NM_001316690.1); short protein forms S142T.
Identifiers: ClinVar variation 1706410 (VCV001706410.5), dbSNP rs766134825, ClinGen allele CA4759311.
Genomic context (GRCh38, chr8:60,741,857, plus strand): 5'-AGATGGGTGTCTACCCTGGCATGCAGAATGAGAGGCATGGGCAATCCTTTGTGGACAGCA[G>C]CTCCATGTGGGGCCCCAGGGCTGTTCAGGTACCAGACCAGATACGAGCCCCCTACCAGCA-3'
Protein context (NP_060250.2, residues 132-152): ERHGQSFVDS[Ser142Thr]SMWGPRAVQV